The following is an entry in ClinVar:

NM_182641.4(BPTF):c.255del (p.Ser86fs)

Gene: BPTF (bromodomain PHD finger transcription factor; plus strand). Cytogenetic location: 17q24.2.
Variant type: Deletion.
Coding change: c.255del on transcript NM_182641.4 (MANE Select); coding-DNA position 255, one base deleted (C; older notation c.255delC).
Protein change: p.Ser86fs; shifts the reading frame from serine 86.
Molecular consequence: frameshift variant.
Genome position (GRCh38, 1-based): chr17:67,825,979, C deleted; the last of 8 consecutive C bases (chr17:67,825,972-67,825,979); deleting any one gives the same sequence. VCF-style (leftmost placement, unchanged base first): chr17-67825971-GC-G. GRCh37 (hg19) VCF-style: chr17-65822087-GC-G.
Other names: c.255delC (NM_182641.3); c.255del, p.Ser86fs (NM_004459.7); c.255del (NM_004459.6); short protein forms S86fs.
Identifiers: ClinVar variation 828184 (VCV000828184.13), dbSNP rs1598050118, ClinGen allele CA627315519.

ClinVar aggregate classification (germline): Pathogenic. Review status: criteria provided, multiple submitters, no conflicts (2 of 4 stars). 5 submissions from 5 submitters: Pathogenic (5). Last evaluated 2025-10-20.

Conditions:
Neurodevelopmental disorder with dysmorphic facies and distal limb anomalies. Identifiers: Orphanet 686482, MedGen C4540327, MONDO:0060596, OMIM 617755.
Inborn genetic diseases. Identifiers: MedGen C0950123, MeSH D030342.

Submissions (5):

3billion
Classification: Pathogenic for Neurodevelopmental disorder with dysmorphic facies and distal limb anomalies. Last evaluated: 2025-10-20. Review status: criteria provided, single submitter. Criteria: ACMG Guidelines, 2015. Collection method: clinical testing. Allele origin: germline. Affected: yes.
Comment: The variant is observed at an extremely low frequency in the gnomAD v4.1.0 dataset (total allele frequency: 0.002%). Predicted Consequence/Location: Frameshift: predicted to result in a loss or disruption of normal protein function through nonsense-mediated decay (NMD) or protein truncation. Multiple pathogenic variants are reported downstream of the variant. The variant has been previously reported as de novo in a similarly affected individual (PMID: 33522091). The variant has been reported at least twice as pathogenic with clinical assertions and evidence for the classification (ClinVar ID: VCV000828184 /PMID: 33522091). Therefore, this variant is classified as Pathogenic according to the recommendation of ACMG/AMP guideline.

CeGaT Center for Human Genetics Tuebingen
Classification: Pathogenic. Last evaluated: 2025-07-01. Review status: criteria provided, single submitter. Criteria: CeGaT Center For Human Genetics Tuebingen Variant Classification Criteria Version 2. Collection method: clinical testing. Allele origin: germline. Affected: yes. Observed: 1 variant allele.
Comment: BPTF: PVS1, PS2, PM2

GeneDx
Classification: Pathogenic. Last evaluated: 2024-08-01. Review status: criteria provided, single submitter. Criteria: GeneDx Variant Classification Process June 2021. Collection method: clinical testing. Allele origin: germline. Affected: yes.
Comment: Frameshift variant predicted to result in protein truncation or nonsense mediated decay in a gene for which loss of function is a known mechanism of disease; This variant is associated with the following publications: (PMID: 33522091)

Ambry Genetics
Classification: Pathogenic for Inborn genetic diseases. Last evaluated: 2024-02-23. Review status: criteria provided, single submitter. Criteria: Ambry Variant Classification Scheme 2023. Collection method: clinical testing. Allele origin: germline.
Comment: The c.255delC (p.S86Afs*151) alteration, located in exon 1 (coding exon 1) of the BPTF gene, consists of a deletion of one nucleotide at position 255, causing a translational frameshift with a predicted alternate stop codon after 151 amino acids. This alteration is expected to result in loss of function by premature protein truncation or nonsense-mediated mRNA decay. The BPTF c.255delC alteration was flagged as a low confidence call in the Genome Aggregation Database (gnomAD). This variant has been determined to be the result of a de novo mutation in two individuals with intellectual disability/developmental delay, speech delay, hypotonia, and other features consistent with BPTF-related neurodevelopmental disorder (Glinton, 2021). Based on the available evidence, this alteration is classified as pathogenic.

HudsonAlpha Institute for Biotechnology
Classification: Pathogenic for Neurodevelopmental disorder with dysmorphic facies and distal limb anomalies. Last evaluated: 2019-08-15. Review status: criteria provided, single submitter. Criteria: ACMG Guidelines, 2015. Collection method: research. Allele origin: de novo. Affected: yes. Observed: 1 variant allele. Study: HudsonAlpha-AGHI-WGS.

Literature cited by the submitters: PubMed 33522091 (cited by 3billion and Ambry Genetics).